The following is an entry in ClinVar:

NM_015599.3(PGM3):c.1539+2T>C

Genes: DOP1A (DOP1 leucine zipper like protein A; plus strand), PGM3 (phosphoglucomutase 3; minus strand). Cytogenetic location: 6q14.1.
Variant type: single nucleotide variant.
Coding change: c.1539+2T>C on transcript NM_015599.3 (MANE Select); the canonical splice donor site of the intron after coding-DNA position 1539, T replaced by C.
Molecular consequence: splice donor variant. On other transcripts: non-coding transcript variant (1), missense variant (1).
Genome position (GRCh38, 1-based): chr6:83,170,303, A>G on the plus strand (T>C on the coding strand, the complement: PGM3 is on the minus strand). VCF-style: chr6-83170303-A-G. GRCh37 (hg19) VCF-style: chr6-83880022-A-G.
Other names: c.1298T>C, p.Val433Ala (NM_001199918.2); c.1623+2T>C (NM_001199917.2, NM_001367287.1); c.1416+2T>C (NM_001367286.1); c.1539+2T>C (NM_001199919.2); short protein forms V433A.
Identifiers: ClinVar variation 1696177 (VCV001696177.1), dbSNP rs1786839596, ClinGen allele CA364878199.

ClinVar aggregate classification (germline): Likely pathogenic (1 of 4 stars; one submission).

Conditions:
Severe combined immunodeficiency disease. Also called: Severe Combined Immune Deficiency; Severe combined immunodeficiency. Identifiers: Orphanet 183660, MedGen C0085110, MeSH D016511, MONDO:0015974, HP:0004430. Inheritance: X-Linked or Autosomal recessive.

Allele frequency attached by ClinVar (database versions not stated): gnomAD exomes below 0.00001; TOPMed 0.00002.
gnomAD v4.1: 2 of 1,613,926 alleles (0.00012%); highest among the groups gnomAD compares: Middle Eastern, 0.016%; no homozygotes.

Submission:

Women's Health and Genetics/Laboratory Corporation of America, LabCorp
Classification: Likely pathogenic for Severe combined immunodeficiency disease. Last evaluated: 2022-05-13. Review status: criteria provided, single submitter. Criteria: LabCorp Variant Classification Summary - May 2015. Collection method: clinical testing. Allele origin: germline.
Comment: Variant summary: PGM3 c.1623+2T>C is located in a canonical splice-site and is predicted to affect mRNA splicing resulting in a significantly altered protein due to either exon skipping, shortening, or inclusion of intronic material. One of two in-silico tools predict a benign effect of the variant on protein function. Several computational tools predict a significant impact on normal splicing: Three predict the variant abolishes a 5' splicing donor site, however, these predictions have yet to be confirmed by functional studies. The variant was absent in 251190 control chromosomes (gnomAD). To our knowledge, no occurrence of c.1623+2T>C in individuals affected with Severe Combined Immunodeficiency and no experimental evidence demonstrating its impact on protein function have been reported. No clinical diagnostic laboratories have submitted clinical-significance assessments for this variant to ClinVar after 2014. Based on the evidence outlined above, the variant was classified as likely pathogenic.